The following is an entry in ClinVar:

ClinVar aggregate classification (germline): Uncertain significance (1 of 4 stars; one submission).

Submission:

GeneDx
Classification: Uncertain significance. Last evaluated: 2025-04-01. Review status: criteria provided, single submitter. Criteria: GeneDx Variant Classification Process June 2021. Collection method: clinical testing. Allele origin: germline. Affected: yes.
Comment: Not observed at significant frequency in large population cohorts (gnomAD); In silico analysis indicates that this missense variant does not alter protein structure/function; Has not been previously published as pathogenic or benign to our knowledge

NM_003632.3(CNTNAP1):c.3425A>G (p.Gln1142Arg)

Gene: CNTNAP1 (contactin associated protein 1; plus strand). Cytogenetic location: 17q21.2.
Variant type: single nucleotide variant.
Coding change: c.3425A>G on transcript NM_003632.3 (MANE Select); coding-DNA position 3425, A replaced by G.
Protein change: p.Gln1142Arg; replaces glutamine 1142 with arginine.
Molecular consequence: missense variant.
Genome position (GRCh38, 1-based): chr17:42,696,103, A>G. VCF-style: chr17-42696103-A-G. GRCh37 (hg19) VCF-style: chr17-40848121-A-G.
Other names: short protein forms Q1142R.
Identifiers: ClinVar variation 4278901 (VCV004278901.1).